The following is an entry in ClinVar:

NM_001146.5(ANGPT1):c.678A>T (p.Gln226His)

Gene: ANGPT1 (angiopoietin 1; minus strand). Cytogenetic location: 8q23.1.
Variant type: single nucleotide variant.
Coding change: c.678A>T on transcript NM_001146.5 (MANE Select); coding-DNA position 678, A replaced by T.
Protein change: p.Gln226His; replaces glutamine 226 with histidine.
Molecular consequence: missense variant.
Genome position (GRCh38, 1-based): chr8:107,322,026, T>A on the plus strand (A>T on the coding strand, the complement: ANGPT1 is on the minus strand). VCF-style: chr8-107322026-T-A. GRCh37 (hg19) VCF-style: chr8-108334254-T-A.
Other names: c.678A>T, p.Gln226His (NM_001199859.3); c.78A>T, p.Gln26His (NM_001314051.2); short protein forms Q226H, Q26H.
Identifiers: ClinVar variation 1418312 (VCV001418312.8), dbSNP rs2130063109, ClinGen allele CA372034060.

ClinVar aggregate classification (germline): Uncertain significance (1 of 4 stars; one submission).

Submission:

Labcorp Genetics (formerly Invitae), Labcorp
Classification: Uncertain significance. Last evaluated: 2025-10-05. Review status: criteria provided, single submitter. Criteria: Invitae Variant Classification Sherloc (09022015). Collection method: clinical testing. Allele origin: germline.
Comment: This sequence change replaces glutamine, which is neutral and polar, with histidine, which is basic and polar, at codon 226 of the ANGPT1 protein (p.Gln226His). This variant is not present in population databases (gnomAD no frequency). This variant has not been reported in the literature in individuals affected with ANGPT1-related conditions. ClinVar contains an entry for this variant (Variation ID: 1418312). An algorithm developed to predict the effect of missense changes on protein structure and function (PolyPhen-2) suggests that this variant is likely to be disruptive. In summary, the available evidence is currently insufficient to determine the role of this variant in disease. Therefore, it has been classified as a Variant of Uncertain Significance.